The following is an entry in ClinVar:

ClinVar aggregate classification (germline): Conflicting classifications of pathogenicity. Review status: criteria provided, conflicting classifications (1 of 4 stars). 6 submissions from 6 submitters: Uncertain significance (1); Benign (1); Likely benign (3). 1 of the submissions does not count toward it. Last evaluated 2025-12-01.

Conditions:
THBD-related disorder. Also called: THBD-related condition.
Atypical hemolytic-uremic syndrome with thrombomodulin anomaly. Also called: HEMOLYTIC UREMIC SYNDROME, ATYPICAL, SUSCEPTIBILITY TO, 6; AHUS, SUSCEPTIBILITY TO, 6. Identifiers: MedGen C2752036, MONDO:0013044, OMIM 612926. Disease mechanism: gain of function.

Allele frequency attached by ClinVar (database versions not stated): 1000 Genomes Project 0.00020; gnomAD 0.00021 and 0.00022; TOPMed 0.00021; ExAC 0.00046.
gnomAD v4.1: 282 of 1,524,152 alleles (0.019%); highest among the groups gnomAD compares: Middle Eastern, 0.055%; no homozygotes.

Submissions (6):

Labcorp Genetics (formerly Invitae), Labcorp
Classification: Likely benign. Last evaluated: 2025-12-01. Review status: criteria provided, single submitter. Criteria: Invitae Variant Classification Sherloc (09022015). Collection method: clinical testing. Allele origin: germline.

Mayo Clinic Laboratories, Mayo Clinic
Classification: Likely benign. Last evaluated: 2025-03-20. Review status: criteria provided, single submitter. Criteria: ACMG Guidelines, 2015. Collection method: clinical testing. Allele origin: germline. Observed: 2 variant alleles.
Comment: BP4, BP7

Blueprint Genetics
Classification: Likely benign. Last evaluated: 2024-08-28. Review status: criteria provided, single submitter. Criteria: ACMG Guidelines, 2015. Collection method: clinical testing. Allele origin: germline.

CeGaT Center for Human Genetics Tuebingen
Classification: Uncertain significance. Last evaluated: 2020-05-01. Review status: criteria provided, single submitter. Criteria: CeGaT Center For Human Genetics Tuebingen Variant Classification Criteria Version 2. Collection method: clinical testing. Allele origin: germline. Affected: yes. Observed: 1 variant allele.

Illumina Laboratory Services, Illumina
Classification: Benign for Atypical hemolytic-uremic syndrome with thrombomodulin anomaly. Last evaluated: 2018-01-13. Review status: criteria provided, single submitter. Criteria: ICSL Variant Classification Criteria 13 December 2019. Collection method: clinical testing. Allele origin: germline.
Comment: This variant was observed in the ICSL laboratory as part of a predisposition screen in an ostensibly healthy population. It had not been previously curated by ICSL or reported in the Human Gene Mutation Database (HGMD: prior to June 1st, 2018), and was therefore a candidate for classification through an automated scoring system. Utilizing variant allele frequency, disease prevalence and penetrance estimates, and inheritance mode, an automated score was calculated to assess if this variant is too frequent to cause the disease. Based on the score and internal cut-off values, a variant classified as benign is not then subjected to further curation. The score for this variant resulted in a classification of benign for this disease.

PreventionGenetics, part of Exact Sciences
Classification: Likely benign for THBD-related condition. Last evaluated: 2019-05-24. Review status: no assertion criteria provided. Collection method: clinical testing. Allele origin: germline. Not counted in ClinVar's aggregate classification.
Comment: This variant is classified as likely benign based on ACMG/AMP sequence variant interpretation guidelines (Richards et al. 2015 PMID: 25741868, with internal and published modifications).

NM_000361.3(THBD):c.282C>G (p.Pro94=)

Gene: THBD (thrombomodulin; minus strand). Cytogenetic location: 20p11.21.
Variant type: single nucleotide variant.
Coding change: c.282C>G on transcript NM_000361.3 (MANE Select); coding-DNA position 282, C replaced by G.
Protein change: p.Pro94=; no amino-acid change (proline 94 retained).
Molecular consequence: synonymous variant.
Genome position (GRCh38, 1-based): chr20:23,049,223, G>C on the plus strand (C>G on the coding strand, the complement: THBD is on the minus strand). VCF-style: chr20-23049223-G-C. GRCh37 (hg19) VCF-style: chr20-23029860-G-C.
Other names: p.Pro94=.
Identifiers: ClinVar variation 809234 (VCV000809234.57), dbSNP rs538290084, ClinGen allele CA9787759.
Genomic context (GRCh38, chr20:23,049,223, plus strand): 5'-GTCTCCCGTAACCCACTGGAAGCCGCGCAGGGGCCCGAGGCGCTTGGGGTCGCCGCAGCC[G>C]GGTGGCAGCTGCAGGCCGATCCAGAGGCGCCGGCGGCCAACGCCGCCGTCGCCGTTCAGT-3'
Protein context (NP_000352.1, residues 84-104): RRLWIGLQLP[Pro94=]GCGDPKRLGP